The following is an entry in ClinVar:

NC_000023.10:g.(?_77041448)_(77041487_?)del

Gene: ATRX (ATRX chromatin remodeler; minus strand). Cytogenetic location: Xq21.1.
Variant type: Deletion.
Identifiers: ClinVar variation 3244463 (VCV003244463.1).

ClinVar aggregate classification (germline): Pathogenic (1 of 4 stars; one submission).

Conditions:
Alpha thalassemia-X-linked intellectual disability syndrome (ATRX). Also called: ALPHA-THALASSEMIA/MENTAL RETARDATION SYNDROME, X-LINKED; ATR, NONDELETION TYPE; ATR-X syndrome; Alpha thalassemia mental retardation syndrome, nondeletion type, X-linked; XLMR hypotonic face syndrome; X-linked alpha-thalassemia-mental retardation syndrome. Identifiers: Orphanet 847, MedGen C1845055, MONDO:0010519, OMIM 301040.

Submission:

Labcorp Genetics (formerly Invitae), Labcorp
Classification: Pathogenic for Alpha thalassemia-X-linked intellectual disability syndrome. Last evaluated: 2023-11-21. Review status: criteria provided, single submitter. Criteria: Invitae Variant Classification Sherloc (09022015). Collection method: clinical testing. Allele origin: unknown.
Comment: This variant is a gross deletion of the genomic region encompassing exon(s) 1 of the ATRX gene, which includes the initiator codon. This deletion extends beyond the assayed region for this gene and therefore may encompass additional genes. It is expected to result in an absent or disrupted protein product. Loss-of-function variants in ATRX are known to be pathogenic (PMID: 15591283, 18409179, 23681356). A similar copy number variant has been observed in individual(s) with ATRX-related conditions (PMID: 11449489). For these reasons, this variant has been classified as Pathogenic.

Literature cited by the submitters: PubMed 15591283; PubMed 18409179; PubMed 23681356; PubMed 11449489.